The following is an entry in ClinVar:

NM_024675.4(PALB2):c.2507T>A (p.Val836Asp)

Gene: PALB2 (partner and localizer of BRCA2; minus strand). Cytogenetic location: 16p12.2.
Variant type: single nucleotide variant.
Coding change: c.2507T>A on transcript NM_024675.4 (MANE Select); coding-DNA position 2507, T replaced by A.
Protein change: p.Val836Asp; replaces valine 836 with aspartic acid.
Molecular consequence: missense variant.
Genome position (GRCh38, 1-based): chr16:23,629,647, A>T on the plus strand (T>A on the coding strand, the complement: PALB2 is on the minus strand). VCF-style: chr16-23629647-A-T. GRCh37 (hg19) VCF-style: chr16-23640968-A-T.
Other names: short protein forms V836D.
Identifiers: ClinVar variation 410198 (VCV000410198.12), dbSNP rs1060502793, ClinGen allele CA16615234.

ClinVar aggregate classification (germline): Uncertain significance. Review status: criteria provided, multiple submitters, no conflicts (2 of 4 stars). 3 submissions from 3 submitters: Uncertain significance (3). Last evaluated 2026-07-25.

Conditions:
Hereditary cancer-predisposing syndrome. Also called: Neoplastic Syndromes, Hereditary; Hereditary Cancer Syndrome; Tumor predisposition; Hereditary neoplastic syndrome. Identifiers: Orphanet 140162, MedGen C0027672, MeSH D009386, MONDO:0015356.
Familial cancer of breast. Also called: BREAST CANCER, FAMILIAL; hereditary breast carcinoma; Hereditary breast cancer. Identifiers: Orphanet 227535, MedGen C0346153, MONDO:0016419, OMIM 114480. Disease mechanism: loss of function.

Submissions (3):

Ambry Genetics
Classification: Uncertain significance for Hereditary cancer-predisposing syndrome. Last evaluated: 2026-07-25. Review status: criteria provided, single submitter. Criteria: Ambry Variant Classification Scheme 2023. Collection method: clinical testing. Allele origin: germline.
Comment: The p.V836D variant (also known as c.2507T>A), located in coding exon 5 of the PALB2 gene, results from a T to A substitution at nucleotide position 2507. The valine at codon 836 is replaced by aspartic acid, an amino acid with highly dissimilar properties. This amino acid position is conserved. In addition, this alteration is predicted to be tolerated by in silico analysis. Based on the available evidence, the clinical significance of this variant remains unclear.

Labcorp Genetics (formerly Invitae), Labcorp
Classification: Uncertain significance for Familial cancer of breast. Last evaluated: 2025-05-28. Review status: criteria provided, single submitter. Criteria: Invitae Variant Classification Sherloc (09022015). Collection method: clinical testing. Allele origin: germline.
Comment: This sequence change replaces valine, which is neutral and non-polar, with aspartic acid, which is acidic and polar, at codon 836 of the PALB2 protein (p.Val836Asp). This variant is not present in population databases (gnomAD no frequency). This variant has not been reported in the literature in individuals affected with PALB2-related conditions. ClinVar contains an entry for this variant (Variation ID: 410198). Invitae Evidence Modeling of protein sequence and biophysical properties (such as structural, functional, and spatial information, amino acid conservation, physicochemical variation, residue mobility, and thermodynamic stability) indicates that this missense variant is not expected to disrupt PALB2 protein function with a negative predictive value of 80%. In summary, the available evidence is currently insufficient to determine the role of this variant in disease. Therefore, it has been classified as a Variant of Uncertain Significance.

Baylor Genetics
Classification: Uncertain significance for Familial cancer of breast. Last evaluated: 2023-06-28. Review status: criteria provided, single submitter. Criteria: ACMG Guidelines, 2015. Collection method: clinical testing. Allele origin: unknown.